The following is an entry in ClinVar:

NM_020631.6(PLEKHG5):c.1448A>G (p.Lys483Arg)

Gene: PLEKHG5 (pleckstrin homology and RhoGEF domain containing G5; minus strand). Cytogenetic location: 1p36.31.
Variant type: single nucleotide variant.
Coding change: c.1448A>G on transcript NM_020631.6 (MANE Select); coding-DNA position 1448, A replaced by G.
Protein change: p.Lys483Arg; replaces lysine 483 with arginine.
Molecular consequence: missense variant.
Genome position (GRCh38, 1-based): chr1:6,470,829, T>C on the plus strand (A>G on the coding strand, the complement: PLEKHG5 is on the minus strand). VCF-style: chr1-6470829-T-C. GRCh37 (hg19) VCF-style: chr1-6530889-T-C.
Other names: c.1559A>G, p.Lys520Arg (NM_001042663.3, NM_001265592.2); c.1448A>G, p.Lys483Arg (NM_001042664.2, NM_001042665.2, NM_001265594.3 and 1 more transcripts); c.1655A>G, p.Lys552Arg (NM_001265593.2); short protein forms K552R, K483R, K520R.
Identifiers: ClinVar variation 806018 (VCV000806018.44), dbSNP rs1242593815, ClinGen allele CA338126877.
Genomic context (GRCh38, chr1:6,470,829, plus strand): 5'-TCGGTCTTCCTCAGCACCGACTTGAGCAGCAGCGGGTACTTGGTGAGCCGCTGGTGGGGT[T>C]TGGCCAGCATGTCGCTCAGCTTCAGCCTCTGGCACTGTGGGTGCTTCTCCGCCCACTGCG-3'
Protein context (NP_065682.2, residues 473-493): QRLKLSDMLA[Lys483Arg]PHQRLTKYPL

ClinVar aggregate classification (germline): Uncertain significance. Review status: criteria provided, multiple submitters, no conflicts (2 of 4 stars). 2 submissions from 2 submitters: Uncertain significance (2). Last evaluated 2022-02-04.

Conditions:
Neuronopathy, distal hereditary motor, autosomal recessive 4. Also called: NEUROPATHY, DISTAL HEREDITARY MOTOR, AUTOSOMAL RECESSIVE 4; Autosomal recessive lower motor neuron disease with childhood onset. Identifiers: Orphanet 206580, MedGen C1970211, MONDO:0012608, OMIM 611067.
Charcot-Marie-Tooth disease recessive intermediate C. Also called: CHARCOT-MARIE-TOOTH NEUROPATHY, RECESSIVE INTERMEDIATE C. Identifiers: Orphanet 369867, MedGen C3809309, MONDO:0014154, OMIM 615376.

Allele frequency attached by ClinVar (database versions not stated): gnomAD 0.00001; TOPMed 0.00001.
gnomAD v4.1: 12 of 1,578,250 alleles (0.00076%); highest among the groups gnomAD compares: Admixed American, 0.0018%; no homozygotes.

Submissions (2):

Labcorp Genetics (formerly Invitae), Labcorp
Classification: Uncertain significance for Neuronopathy, distal hereditary motor, autosomal recessive 4; Charcot-Marie-Tooth disease recessive intermediate C. Last evaluated: 2022-02-04. Review status: criteria provided, single submitter. Criteria: Invitae Variant Classification Sherloc (09022015). Collection method: clinical testing. Allele origin: germline.
Comment: This sequence change replaces lysine, which is basic and polar, with arginine, which is basic and polar, at codon 483 of the PLEKHG5 protein (p.Lys483Arg). This variant is not present in population databases (gnomAD no frequency). This variant has not been reported in the literature in individuals affected with PLEKHG5-related conditions. ClinVar contains an entry for this variant (Variation ID: 806018). Algorithms developed to predict the effect of missense changes on protein structure and function are either unavailable or do not agree on the potential impact of this missense change (SIFT: "Tolerated"; PolyPhen-2: "Probably Damaging"; Align-GVGD: "Class C0"). Algorithms developed to predict the effect of sequence changes on RNA splicing suggest that this variant may create or strengthen a splice site. In summary, the available evidence is currently insufficient to determine the role of this variant in disease. Therefore, it has been classified as a Variant of Uncertain Significance.

CeGaT Center for Human Genetics Tuebingen
Classification: Uncertain significance. Last evaluated: 2016-06-01. Review status: criteria provided, single submitter. Criteria: CeGaT Center For Human Genetics Tuebingen Variant Classification Criteria Version 2. Collection method: clinical testing. Allele origin: germline. Affected: yes. Observed: 1 variant allele.